The following is an entry in ClinVar:

ClinVar aggregate classification (germline): Benign/Likely benign. Review status: criteria provided, multiple submitters, no conflicts (2 of 4 stars). 11 submissions from 8 submitters: Benign (6); Likely benign (5). Last evaluated 2026-02-01.

Conditions:
Congenital myopathy 18. Also called: Myopathy, congenital, due to dihydropyridine receptor defect; DIHYDROPYRIDINE RECEPTOR CONGENITAL MYOPATHY; DHPR CONGENITAL MYOPATHY. Identifiers: MedGen C5830283, MONDO:0859514, OMIM 620246.
Hypokalemic periodic paralysis, type 1. Also called: Hypokalemic Periodic Paralysis Type 1 (AD); HypoPP. Identifiers: Orphanet 681, MedGen C3714580, MONDO:0042979, OMIM 170400.
Malignant hyperthermia, susceptibility to, 5 (MHS5). Also called: CACNA1S-Related Malignant Hyperthermia Susceptibility. Identifiers: Orphanet 423, MedGen C1866077, MONDO:0011163, OMIM 601887.
Thyrotoxic periodic paralysis, susceptibility to, 1 (TTPP1). Identifiers: Orphanet 79102, MedGen C2749982, MONDO:0008570, OMIM 188580.

Allele frequency attached by ClinVar (database versions not stated): gnomAD exomes 0.00055 and 0.00145; ExAC 0.00172; gnomAD 0.00527 and 0.00555; ESP Exome Variant Server 0.00546; TOPMed 0.00604; 1000 Genomes Project 30x 0.00625; 1000 Genomes Project 0.00739.
gnomAD v4.1: 1,667 of 1,614,066 alleles (0.1%); highest among the groups gnomAD compares: African/African-American, 1.9%; 11 homozygotes.

Submissions (11):

Labcorp Genetics (formerly Invitae), Labcorp
Classification: Benign for Hypokalemic periodic paralysis, type 1; Malignant hyperthermia, susceptibility to, 5. Last evaluated: 2026-02-01. Review status: criteria provided, single submitter. Criteria: Invitae Variant Classification Sherloc (09022015). Collection method: clinical testing. Allele origin: germline.

Blueprint Genetics
Classification: Likely benign. Last evaluated: 2024-11-11. Review status: criteria provided, single submitter. Criteria: ACMG Guidelines, 2015. Collection method: clinical testing. Allele origin: germline.

All of Us Research Program, National Institutes of Health
Classification: Benign for Malignant hyperthermia, susceptibility to, 5. Last evaluated: 2024-02-05. Review status: criteria provided, single submitter. Criteria: ACMG Guidelines, 2015. Collection method: clinical testing. Allele origin: germline. Inheritance: Autosomal dominant inheritance. Observed: 324 variant alleles, 322 heterozygotes, 2 homozygotes.
Comment: This study involves interpretation of variants in research participants for the purpose of population health screening. Participant phenotype was not available at the time of variant classification. Additional details can be found in publication PMID: 35346344, PMCID: PMC8962531

Genome-Nilou Lab
Classification: Likely benign for Malignant hyperthermia, susceptibility to, 5. Last evaluated: 2023-04-11. Review status: criteria provided, single submitter. Criteria: ACMG Guidelines, 2015. Collection method: clinical testing. Allele origin: germline. Affected: no.

Genome-Nilou Lab
Classification: Likely benign for Thyrotoxic periodic paralysis, susceptibility to, 1. Last evaluated: 2023-04-11. Review status: criteria provided, single submitter. Criteria: ACMG Guidelines, 2015. Collection method: clinical testing. Allele origin: germline. Affected: no.

Genome-Nilou Lab
Classification: Likely benign for Congenital myopathy 18. Last evaluated: 2023-04-11. Review status: criteria provided, single submitter. Criteria: ACMG Guidelines, 2015. Collection method: clinical testing. Allele origin: germline. Affected: no.

Genome-Nilou Lab
Classification: Likely benign for Hypokalemic periodic paralysis, type 1. Last evaluated: 2023-04-11. Review status: criteria provided, single submitter. Criteria: ACMG Guidelines, 2015. Collection method: clinical testing. Allele origin: germline. Affected: no.

Mayo Clinic Laboratories, Mayo Clinic
Classification: Benign. Last evaluated: 2022-11-28. Review status: criteria provided, single submitter. Criteria: ACMG Guidelines, 2015. Collection method: clinical testing. Allele origin: germline. Observed: 5 variant alleles.
Comment: BS1, BS2, BP4, BP7

Color Diagnostics, LLC DBA Color Health
Classification: Benign for Malignant hyperthermia, susceptibility to, 5. Last evaluated: 2022-10-20. Review status: criteria provided, single submitter. Criteria: ACMG Guidelines, 2015. Collection method: clinical testing. Allele origin: germline.

GeneDx
Classification: Benign. Last evaluated: 2016-12-08. Review status: criteria provided, single submitter. Criteria: GeneDx Variant Classification (06012015). Collection method: clinical testing. Allele origin: germline. Affected: yes.
Comment: This variant is considered likely benign or benign based on one or more of the following criteria: it is a conservative change, it occurs at a poorly conserved position in the protein, it is predicted to be benign by multiple in silico algorithms, and/or has population frequency not consistent with disease.

PreventionGenetics, part of Exact Sciences
Classification: Benign. Review status: criteria provided, single submitter. Criteria: ACMG Guidelines, 2015. Collection method: clinical testing. Allele origin: germline.

Literature cited by the submitters: PubMed 30325262 (cited by Mayo Clinic Laboratories, Mayo Clinic).

NM_000069.3(CACNA1S):c.252C>T (p.Leu84=)

Gene: CACNA1S (calcium voltage-gated channel subunit alpha1 S; minus strand). Cytogenetic location: 1q32.1.
Variant type: single nucleotide variant.
Coding change: c.252C>T on transcript NM_000069.3 (MANE Select); coding-DNA position 252, C replaced by T.
Protein change: p.Leu84=; no amino-acid change (leucine 84 retained).
Molecular consequence: synonymous variant.
Genome position (GRCh38, 1-based): chr1:201,110,170, G>A on the plus strand (C>T on the coding strand, the complement: CACNA1S is on the minus strand). VCF-style: chr1-201110170-G-A. GRCh37 (hg19) VCF-style: chr1-201079298-G-A.
Other names: p.Leu84=.
Identifiers: ClinVar variation 254817 (VCV000254817.21), dbSNP rs112868209, ClinGen allele CA079048.